The following is an entry in ClinVar:

ClinVar aggregate classification (germline): Uncertain significance (1 of 4 stars; one submission).

gnomAD v4.1: 3 of 1,610,638 alleles (0.00019%); highest among the groups gnomAD compares: Non-Finnish European, 0.00025%; no homozygotes.

Submission:

Labcorp Genetics (formerly Invitae), Labcorp
Classification: Uncertain significance. Last evaluated: 2025-10-06. Review status: criteria provided, single submitter. Criteria: Invitae Variant Classification Sherloc (09022015). Collection method: clinical testing. Allele origin: germline.
Comment: This sequence change replaces glutamine, which is neutral and polar, with arginine, which is basic and polar, at codon 459 of the ACTN1 protein (p.Gln459Arg). This variant is not present in population databases (gnomAD no frequency). This variant has not been reported in the literature in individuals affected with ACTN1-related conditions. Invitae Evidence Modeling of protein sequence and biophysical properties (such as structural, functional, and spatial information, amino acid conservation, physicochemical variation, residue mobility, and thermodynamic stability) indicates that this missense variant is not expected to disrupt ACTN1 protein function with a negative predictive value of 80%. In summary, the available evidence is currently insufficient to determine the role of this variant in disease. Therefore, it has been classified as a Variant of Uncertain Significance.

NM_001130004.2(ACTN1):c.1376A>G (p.Gln459Arg)

Gene: ACTN1 (actinin alpha 1; minus strand). Cytogenetic location: 14q24.1.
Variant type: single nucleotide variant.
Coding change: c.1376A>G on transcript NM_001130004.2 (MANE Select); coding-DNA position 1376, A replaced by G.
Protein change: p.Gln459Arg; replaces glutamine 459 with arginine.
Molecular consequence: missense variant.
Genome position (GRCh38, 1-based): chr14:68,885,434, T>C on the plus strand (A>G on the coding strand, the complement: ACTN1 is on the minus strand). VCF-style: chr14-68885434-T-C. GRCh37 (hg19) VCF-style: chr14-69352151-T-C.
Other names: c.1376A>G, p.Gln459Arg (NM_001102.4, NM_001130005.2, NM_001424012.1 and 7 more transcripts); c.1400A>G, p.Gln467Arg (NM_001411035.1, NM_001424016.1); c.1181A>G, p.Gln394Arg (NM_001411036.1, NM_001424026.1, NM_001424028.1); c.1502A>G, p.Gln501Arg (NM_001424013.1); c.1463A>G, p.Gln488Arg (NM_001424015.1); c.1373A>G, p.Gln458Arg (NM_001424017.1); c.1337A>G, p.Gln446Arg (NM_001424018.1); c.1313A>G, p.Gln438Arg (NM_001424020.1, NM_001424022.1); and 2 more; short protein forms Q436R, Q458R, Q501R, Q394R, Q446R, Q467R, Q184R, Q459R.
Identifiers: ClinVar variation 4742748 (VCV004742748.1).
Genomic context (GRCh38, chr14:68,885,434, plus strand): 5'-AGCCCAGCCTCAGCCCCTCACCACAGGGTAGGGGTGTCTGGGGCCACCTACTTGAGCTCC[T>C]GTGCGATGGCGGCAATCTGCTCCACACGGTCCTGGTGGGCAGCCAGGTCACTCTCGAAGG-3'
Protein context (NP_001123476.1, residues 449-469): DRVEQIAAIA[Gln459Arg]ELNELDYYDS